The following is an entry in ClinVar:

ClinVar aggregate classification (germline): Benign. Review status: reviewed by expert panel (3 of 4 stars). 21 submissions from 21 submitters: Benign (1). 20 of the submissions do not count toward it. Last evaluated 2013-09-05.

Conditions:
Hereditary nonpolyposis colorectal neoplasms. Identifiers: MedGen C0009405, MeSH D003123.
Hereditary cancer-predisposing syndrome. Also called: Neoplastic Syndromes, Hereditary; Hereditary neoplastic syndrome; Tumor predisposition; Hereditary Cancer Syndrome. Identifiers: Orphanet 140162, MedGen C0027672, MeSH D009386, MONDO:0015356.
Lynch syndrome. Identifiers: Orphanet 144, MedGen C4552100, MONDO:0005835. Disease mechanism: loss of function.
Lynch syndrome 4 (LYNCH4). Also called: Hereditary non-polyposis colorectal cancer, type 4; Colorectal cancer, hereditary nonpolyposis, type 4. Identifiers: Orphanet 144, MedGen C1838333, MONDO:0013699, OMIM 614337. Disease mechanism: loss of function.
Endometrial carcinoma. Also called: Endometrial carcinoma, somatic. Identifiers: MedGen C0476089, MONDO:0002447, OMIM 608089, HP:0012114.

Allele frequency attached by ClinVar (database versions not stated): gnomAD exomes 0.06810 and 0.07575; ExAC 0.08847; gnomAD 0.11826 and 0.12135; TOPMed 0.12322; 1000 Genomes Project 30x 0.12711; 1000 Genomes Project 0.12800.
gnomAD v4.1: 103,846 of 1,409,502 alleles (7.4%); highest among the groups gnomAD compares: African/African-American, 24%; 4,466 homozygotes.

Submissions (21):

International Society for Gastrointestinal Hereditary Tumours (InSiGHT)
Classification: Benign for Lynch Syndrome. Last evaluated: 2013-09-05. Review status: reviewed by expert panel. Criteria: Guidelines v1.9. Collection method: research. Allele origin: germline.
Comment: MAF >1%

Classified with v1.9 guidelines
ClinVar note: Converted during submission from no known pathogenicity to Benign.

Labcorp Genetics (formerly Invitae), Labcorp
Classification: Benign for Hereditary nonpolyposis colorectal neoplasms. Last evaluated: 2026-02-04. Review status: criteria provided, single submitter. Criteria: Invitae Variant Classification Sherloc (09022015). Collection method: clinical testing. Allele origin: germline. Not counted in ClinVar's aggregate classification.

ARUP Laboratories, Molecular Genetics and Genomics, ARUP Laboratories
Classification: Benign. Last evaluated: 2025-07-30. Review status: criteria provided, single submitter. Criteria: ARUP Molecular Germline Variant Investigation Process 2024. Collection method: clinical testing. Allele origin: germline. Not counted in ClinVar's aggregate classification.

GeneKor MSA
Classification: Benign for Lynch syndrome. Last evaluated: 2025-07-10. Review status: criteria provided, single submitter. Criteria: ACMG Guidelines, 2015. Collection method: clinical testing. Allele origin: germline. Not counted in ClinVar's aggregate classification.

Blueprint Genetics
Classification: Likely benign. Last evaluated: 2024-11-27. Review status: criteria provided, single submitter. Criteria: ACMG Guidelines, 2015. Collection method: clinical testing. Allele origin: germline. Not counted in ClinVar's aggregate classification.

KCCC/NGS Laboratory, Kuwait Cancer Control Center
Classification: Benign for Lynch syndrome 4. Last evaluated: 2023-07-07. Review status: criteria provided, single submitter. Criteria: ACMG Guidelines, 2015. Collection method: clinical testing. Allele origin: germline. Affected: yes. Not counted in ClinVar's aggregate classification.

Myriad Genetics, Inc.
Classification: Benign for Lynch syndrome 4. Last evaluated: 2023-04-05. Review status: criteria provided, single submitter. Criteria: Myriad Autosomal Dominant, Autosomal Recessive and X-Linked Classification Criteria (2023). Collection method: clinical testing. Allele origin: unknown. Not counted in ClinVar's aggregate classification.
Comment: This variant is considered benign. This variant is intronic and is not expected to impact mRNA splicing.

Eurofins Ntd Llc (ga)
Classification: Benign. Last evaluated: 2018-03-21. Review status: criteria provided, single submitter. Criteria: EGL ClinVar v180209 classification definitions. Collection method: clinical testing. Allele origin: germline. Observed: 42 variant alleles, 37 heterozygotes, 5 homozygotes. Not counted in ClinVar's aggregate classification.

Illumina Laboratory Services, Illumina
Classification: Benign for Lynch syndrome 4. Last evaluated: 2018-01-12. Review status: criteria provided, single submitter. Criteria: ICSL Variant Classification Criteria 13 December 2019. Collection method: clinical testing. Allele origin: germline. Not counted in ClinVar's aggregate classification.
Comment: This variant was observed in the ICSL laboratory as part of a predisposition screen in an ostensibly healthy population. It had not been previously curated by ICSL or reported in the Human Gene Mutation Database (HGMD: prior to June 1st, 2018), and was therefore a candidate for classification through an automated scoring system. Utilizing variant allele frequency, disease prevalence and penetrance estimates, and inheritance mode, an automated score was calculated to assess if this variant is too frequent to cause the disease. Based on the score and internal cut-off values, a variant classified as benign is not then subjected to further curation. The score for this variant resulted in a classification of benign for this disease.

Clinical Genetics DNA and cytogenetics Diagnostics Lab, Erasmus MC, Erasmus Medical Center
Classification: Benign for Lynch syndrome 4. Last evaluated: 2017-05-31. Review status: criteria provided, single submitter. Criteria: ACGS Guidelines, 2013. Collection method: clinical testing. Allele origin: germline. Affected: yes. Study: VKGL Data-share Consensus. Not counted in ClinVar's aggregate classification.

Color Diagnostics, LLC DBA Color Health
Classification: Benign for Hereditary cancer-predisposing syndrome. Last evaluated: 2015-03-31. Review status: criteria provided, single submitter. Criteria: ACMG Guidelines, 2015. Collection method: clinical testing. Allele origin: germline. Not counted in ClinVar's aggregate classification.

GeneDx
Classification: Benign. Last evaluated: 2015-03-03. Review status: criteria provided, single submitter. Criteria: GeneDx Variant Classification Process June 2021. Collection method: clinical testing. Allele origin: germline. Affected: yes. Not counted in ClinVar's aggregate classification.

Ambry Genetics
Classification: Benign for Hereditary cancer-predisposing syndrome. Last evaluated: 2014-09-15. Review status: criteria provided, single submitter. Criteria: Ambry Variant Classification Scheme 2023. Collection method: clinical testing. Allele origin: germline. Not counted in ClinVar's aggregate classification.

PreventionGenetics, part of Exact Sciences
Classification: Benign. Review status: criteria provided, single submitter. Criteria: ACMG Guidelines, 2015. Collection method: clinical testing. Allele origin: germline. Not counted in ClinVar's aggregate classification.

Counsyl
Classification: Benign for Lynch syndrome 4. Last evaluated: 2017-06-13. Review status: no assertion criteria provided. Collection method: clinical testing. Allele origin: unknown. Not counted in ClinVar's aggregate classification.

Women's Health and Genetics/Laboratory Corporation of America, LabCorp
Classification: Benign for Lynch syndrome. Last evaluated: 2013-12-27. Review status: no assertion criteria provided. Collection method: clinical testing. Allele origin: germline. Not counted in ClinVar's aggregate classification.

Clinical Genetics Laboratory, Department of Pathology, Netherlands Cancer Institute
Classification: Benign. Review status: no assertion criteria provided. Collection method: clinical testing. Allele origin: germline. Affected: yes. Study: VKGL Data-share Consensus. Not counted in ClinVar's aggregate classification.

Clinical Genetics, Academic Medical Center
Classification: Benign. Review status: no assertion criteria provided. Collection method: clinical testing. Allele origin: germline. Affected: yes. Study: VKGL Data-share Consensus. Not counted in ClinVar's aggregate classification.

Department of Pathology and Laboratory Medicine, Sinai Health System
Classification: Benign for Endometrial carcinoma. Review status: no assertion criteria provided. Collection method: clinical testing. Allele origin: unknown. Affected: yes. Study: The Canadian Open Genetics Repository (COGR). Not counted in ClinVar's aggregate classification.
Comment: The PMS2 c.2007-7C>T variant was identified in 24 of 1372 proband chromosomes (frequency: 0.017) from individuals or families with Lynch syndrome, but was classified as a benign polymorphism (Hansen 2014, Hendriks 2006, Niessen 2009, Sheng 2010, van der Klift 2016). The variant was also identified in dbSNP (rs55954143) with benign allele, ClinVar 6x (classified as benign, reviewed by an expert panel), Genesight-COGR, Insight Colon Cancer Gene Variant Database (as benign), and Mismatch Repair Genes Variant Database. The variant was not identified in Cosmic, MutDB, Zhejiang Colon Cancer Database, MMR Gene Unclassified Variants Database, or Insight Hereditary Tumors Database. The variant was identified in control databases in 14684 of 174456 chromosomes (776 homozygous) at a frequency of 0.08 increasing the likelihood this could be a low frequency benign variant (Genome Aggregation Consortium Feb 27, 2017). The variant was identified in the following populations at a frequency greater than 1%: African in 3950 of 15996 chromosomes (freq: 0.247), East Asian in 1045 of 11848 chromosomes (freq: 0.088), European (Finnish) in 1617 of 19226 chromosomes (freq: 0.084), South Asian in 1722 of 20892 chromosomes (freq: 0.082), Other in 326 of 4640 chromosomes (freq: 0.07), European (Non-Finnish) in 4958 of 72394 chromosomes (freq: 0.068), Ashkenazi Jewish* in 329 of 7828 chromosomes (freq: 0.042). In summary, based on the above information this variant meets our laboratory's criteria to be classified as benign.

Joint Genome Diagnostic Labs from Nijmegen and Maastricht, Radboudumc and MUMC+
Classification: Benign. Review status: no assertion criteria provided. Collection method: clinical testing. Allele origin: germline. Affected: yes. Study: VKGL Data-share Consensus. Not counted in ClinVar's aggregate classification.

Mayo Clinic Laboratories, Mayo Clinic
Classification: Benign. Review status: no assertion criteria provided. Collection method: clinical testing. Allele origin: unknown. Not counted in ClinVar's aggregate classification.

Literature cited by the submitters: PubMed 23709753 (cited by Counsyl).

NM_000535.7(PMS2):c.2007-7C>T

Gene: PMS2 (PMS1 homolog 2, mismatch repair system component; minus strand). Cytogenetic location: 7p22.1.
Variant type: single nucleotide variant.
Coding change: c.2007-7C>T on transcript NM_000535.7 (MANE Select); 7 bases into the intron before coding-DNA position 2007, C replaced by T.
Molecular consequence: intron variant.
Genome position (GRCh38, 1-based): chr7:5,982,998, G>A on the plus strand (C>T on the coding strand, the complement: PMS2 is on the minus strand). VCF-style: chr7-5982998-G-A. GRCh37 (hg19) VCF-style: chr7-6022629-G-A.
Other names: c.1689-7C>T (NM_001322008.2, NM_001322007.2); c.1446-7C>T (NM_001322010.2); c.1602-7C>T (NM_001322004.2, NM_001322003.2, NM_001322009.2 and 1 more transcripts); c.1434-7C>T (NM_001322013.2); c.1074-7C>T (NM_001322012.2, NM_001322011.2); c.1698-7C>T (NM_001322015.2); c.1851-7C>T (NM_001322006.2); c.2007-7C>T (NM_001322014.2).
Identifiers: ClinVar variation 36687 (VCV000036687.48), dbSNP rs55954143, ClinGen allele CA010711.
Genomic context (GRCh38, chr7:5,982,998, plus strand): 5'-ATAAATCCCAGGTTAAACTGACCAATGATTTCCATTTCTGCAAACATCGTTTTACTGCAG[G>A]TAGAAAATGTTAATTATCAGACATTTTACAAGATTATTTTTCTGATTATGTTATAGAACA-3'